The following is an entry in ClinVar:

NM_022489.4(INF2):c.210_224del (p.Glu70_Leu74del)

Gene: INF2 (inverted formin 2; plus strand). Cytogenetic location: 14q32.33.
Variant type: Deletion.
Coding change: c.210_224del on transcript NM_022489.4 (MANE Select); coding-DNA positions 210 to 224, 15 bases deleted (GCAGAGCGGCCTGGA).
Protein change: p.Glu70_Leu74del.
Molecular consequence: inframe indel (on NM_001426862.1).
Genome position (GRCh38, 1-based): chr14:104,701,575-104,701,589, GCAGAGCGGCCTGGA deleted; deleting any 15 consecutive bases within chr14:104,701,569-104,701,589 gives the same sequence; the c. name uses the placement nearest the transcript's 3' end. VCF-style (leftmost placement, unchanged base first): chr14-104701568-TCCTGGAGCAGAGCGG-T. GRCh37 (hg19) VCF-style: chr14-105167905-TCCTGGAGCAGAGCGG-T.
Other names: c.210_224del, p.Glu70_Leu74del (NM_001031714.4, NM_032714.3); c.210_224delGCAGAGCGGCCTGGA, p.Glu70_Leu74del (NM_001426862.1, NM_001426863.1, NM_001426864.1 and 4 more transcripts).
Identifiers: ClinVar variation 3066115 (VCV003066115.1), dbSNP rs1889497296, ClinGen allele CA2740097938.

ClinVar aggregate classification (germline): Uncertain significance (1 of 4 stars; one submission).

Conditions:
Focal segmental glomerulosclerosis 5 (FSGS5). Identifiers: Orphanet 656, MedGen C2750475, MONDO:0013191, OMIM 613237.

Submission:

MVZ Medizinische Genetik Mainz
Classification: Uncertain significance for Focal segmental glomerulosclerosis 5. Last evaluated: 2023-08-02. Review status: criteria provided, single submitter. Criteria: UK Practice Guidelines For Variant Classification V4 01 2020. Collection method: clinical testing. Allele origin: germline. Inheritance: Autosomal dominant inheritance. Affected: yes. Observed: 1 variant allele.
Comment: ACMG Criteria: PM4,PM2_SUP,PP3,PP4